The following is an entry in ClinVar:

ClinVar aggregate classification (germline): Uncertain significance (1 of 4 stars; one submission).

Conditions:
Familial hemiplegic migraine. Identifiers: MedGen C0338484, MONDO:0000700.

Allele frequency attached by ClinVar (database versions not stated): gnomAD exomes below 0.00001; TOPMed 0.00001.
gnomAD v4.1: 5 of 1,614,128 alleles (0.00031%); highest among the groups gnomAD compares: Non-Finnish European, 0.00042%; no homozygotes.

Submission:

Labcorp Genetics (formerly Invitae), Labcorp
Classification: Uncertain significance for Familial hemiplegic migraine. Last evaluated: 2019-04-12. Review status: criteria provided, single submitter. Criteria: Invitae Variant Classification Sherloc (09022015). Collection method: clinical testing. Allele origin: germline.
Comment: This sequence change replaces alanine with serine at codon 659 of the ATP1A2 protein (p.Ala659Ser). The alanine residue is highly conserved and there is a moderate physicochemical difference between alanine and serine. This variant is not present in population databases (ExAC no frequency). This variant has not been reported in the literature in individuals with ATP1A2-related conditions. Algorithms developed to predict the effect of missense changes on protein structure and function (SIFT, PolyPhen-2, Align-GVGD) all suggest that this variant is likely to be disruptive, but these predictions have not been confirmed by published functional studies and their clinical significance is uncertain. In summary, the available evidence is currently insufficient to determine the role of this variant in disease. Therefore, it has been classified as a Variant of Uncertain Significance.

NM_000702.4(ATP1A2):c.1975G>T (p.Ala659Ser)

Gene: ATP1A2 (ATPase Na+/K+ transporting subunit alpha 2; plus strand). Cytogenetic location: 1q23.2.
Variant type: single nucleotide variant.
Coding change: c.1975G>T on transcript NM_000702.4 (MANE Select); coding-DNA position 1975, G replaced by T.
Protein change: p.Ala659Ser; replaces alanine 659 with serine.
Molecular consequence: missense variant.
Genome position (GRCh38, 1-based): chr1:160,135,155, G>T. VCF-style: chr1-160135155-G-T. GRCh37 (hg19) VCF-style: chr1-160104945-G-T.
Other names: short protein forms A659S.
Identifiers: ClinVar variation 861383 (VCV000861383.1), dbSNP rs1322861091, ClinGen allele CA343247620.